The following is an entry in ClinVar:

ClinVar aggregate classification (germline): Uncertain significance (1 of 4 stars; one submission).

Submission:

GeneDx
Classification: Uncertain significance. Last evaluated: 2025-01-30. Review status: criteria provided, single submitter. Criteria: GeneDx Variant Classification Process June 2021. Collection method: clinical testing. Allele origin: germline. Affected: yes.
Comment: Not observed at significant frequency in large population cohorts (gnomAD); In silico analysis indicates that this missense variant does not alter protein structure/function; Has not been previously published as pathogenic or benign to our knowledge

NM_014991.6(WDFY3):c.2000G>T (p.Cys667Phe)

Genes: WDFY3 (WD repeat and FYVE domain containing 3; minus strand), WDFY3-AS1 (WDFY3 antisense RNA 1; plus strand). Cytogenetic location: 4q21.23.
Variant type: single nucleotide variant.
Coding change: c.2000G>T on transcript NM_014991.6 (MANE Select); coding-DNA position 2000, G replaced by T.
Protein change: p.Cys667Phe; replaces cysteine 667 with phenylalanine.
Molecular consequence: missense variant. On other transcripts: non-coding transcript variant (1).
Genome position (GRCh38, 1-based): chr4:84,810,232, C>A on the plus strand (G>T on the coding strand, the complement: WDFY3 is on the minus strand). VCF-style: chr4-84810232-C-A. GRCh37 (hg19) VCF-style: chr4-85731385-C-A.
Other names: short protein forms C667F.
Identifiers: ClinVar variation 4072762 (VCV004072762.1).